The following is an entry in ClinVar:

NM_020778.5(ALPK3):c.148T>G (p.Ser50Ala)

Gene: ALPK3 (alpha kinase 3; plus strand). Cytogenetic location: 15q25.3.
Variant type: single nucleotide variant.
Coding change: c.148T>G on transcript NM_020778.5 (MANE Select); coding-DNA position 148, T replaced by G.
Protein change: p.Ser50Ala; replaces serine 50 with alanine.
Molecular consequence: missense variant.
Genome position (GRCh38, 1-based): chr15:84,823,334, T>G. VCF-style: chr15-84823334-T-G. GRCh37 (hg19) VCF-style: chr15-85366565-T-G.
Other names: short protein forms S50A.
Identifiers: ClinVar variation 3618825 (VCV003618825.2).
Genomic context (GRCh38, chr15:84,823,334, plus strand): 5'-GCCTACTTCCTTCTTGCTTTTTTGGCCTAATGATTCCATTTGCTGTTTTTGCTTAGCTTA[T>G]CAAGCAACCGGTTGTCTCACCCCAGCTCTGGAAGGTAAATGCATATTGCACTACATTTCT-3'
Protein context (NP_065829.4, residues 40-60): LLSVRPETSL[Ser50Ala]SNRLSHPSSG

ClinVar aggregate classification (germline): Uncertain significance (1 of 4 stars; one submission).

Submission:

Labcorp Genetics (formerly Invitae), Labcorp
Classification: Uncertain significance. Last evaluated: 2025-03-31. Review status: criteria provided, single submitter. Criteria: Invitae Variant Classification Sherloc (09022015). Collection method: clinical testing. Allele origin: germline.
Comment: This sequence change replaces serine, which is neutral and polar, with alanine, which is neutral and non-polar, at codon 252 of the ALPK3 protein (p.Ser252Ala). This variant is not present in population databases (gnomAD no frequency). This variant has not been reported in the literature in individuals affected with ALPK3-related conditions. An algorithm developed to predict the effect of missense changes on protein structure and function (PolyPhen-2) suggests that this variant is likely to be tolerated. Algorithms developed to predict the effect of sequence changes on RNA splicing suggest that this variant may disrupt the consensus splice site. In summary, the available evidence is currently insufficient to determine the role of this variant in disease. Therefore, it has been classified as a Variant of Uncertain Significance.